The following is an entry in ClinVar:

NM_022455.5(NSD1):c.2605dup (p.Tyr869fs)

Gene: NSD1 (nuclear receptor binding SET domain protein 1; plus strand). Cytogenetic location: 5q35.3.
Variant type: Duplication.
Coding change: c.2605dup on transcript NM_022455.5 (MANE Select); coding-DNA position 2605, one base duplicated (T; older notation c.2605dupT).
Protein change: p.Tyr869fs; shifts the reading frame from tyrosine 869.
Molecular consequence: frameshift variant.
Genome position (GRCh38, 1-based): chr5:177,211,004, T duplicated; the last of 2 consecutive T bases (chr5:177,211,003-177,211,004); duplicating either gives the same sequence. VCF-style (leftmost placement, unchanged base first): chr5-177211002-C-CT. GRCh37 (hg19) VCF-style: chr5-176638003-C-CT.
Other names: c.1732dup, p.Tyr578Leufs (NM_001365684.2, NM_001409306.1, NM_001409307.1 and 3 more transcripts); c.2605dup, p.Tyr869Leufs (NM_001409301.1, NM_001409302.1, NM_001409303.1); c.2185dup, p.Tyr729Leufs (NM_001409304.1); c.1852dup, p.Tyr618Leufs (NM_001409305.1); short protein forms Y869fs, Y600fs.
Identifiers: ClinVar variation 1454241 (VCV001454241.6), dbSNP rs2149845831, ClinGen allele CA2573139460.
Genomic context (GRCh38, chr5:177,211,002, plus strand): 5'-ATTCAAGTGACATAGAAACAGCAGTGGTGAAACATGTTTTATCCGAGTTGAAGGAACTCT[C>CT]TTACAGATCCTTAGGTGAGGATGTCAGTGACTCTGGAACATCAAAGCCATCAAAACCATT-3'

ClinVar aggregate classification (germline): Pathogenic (1 of 4 stars; one submission).

Submission:

Labcorp Genetics (formerly Invitae), Labcorp
Classification: Pathogenic. Last evaluated: 2021-08-19. Review status: criteria provided, single submitter. Criteria: Invitae Variant Classification Sherloc (09022015). Collection method: clinical testing. Allele origin: germline.
Comment: This sequence change creates a premature translational stop signal (p.Tyr869Leufs*6) in the NSD1 gene. It is expected to result in an absent or disrupted protein product. Loss-of-function variants in NSD1 are known to be pathogenic (PMID: 12464997, 14571271, 15942875, 16247291). This variant is not present in population databases (ExAC no frequency). This variant has not been reported in the literature in individuals affected with NSD1-related conditions. For these reasons, this variant has been classified as Pathogenic.

Literature cited by the submitters: PubMed 12464997; PubMed 14571271; PubMed 15942875; PubMed 16247291.